The following is an entry in ClinVar:

ClinVar aggregate classification (germline): Uncertain significance. Review status: criteria provided, multiple submitters, no conflicts (2 of 4 stars). 2 submissions from 2 submitters: Uncertain significance (2). Last evaluated 2022-11-04.

Conditions:
AIFM1-related disorder. Also called: AIFM1-related condition.
Combined oxidative phosphorylation deficiency. Identifiers: MedGen C4540031, MONDO:0000732.
Charcot-Marie-Tooth Neuropathy X. Identifiers: MedGen CN118851.

gnomAD v4.1: 3 of 1,209,861 alleles (0.00025%); highest among the groups gnomAD compares: African/African-American, 0.0035%; no homozygotes.

Submissions (2):

Labcorp Genetics (formerly Invitae), Labcorp
Classification: Uncertain significance for Charcot-Marie-Tooth Neuropathy X; Combined oxidative phosphorylation deficiency. Last evaluated: 2022-11-04. Review status: criteria provided, single submitter. Criteria: Invitae Variant Classification Sherloc (09022015). Collection method: clinical testing. Allele origin: germline.
Comment: In summary, the available evidence is currently insufficient to determine the role of this variant in disease. Therefore, it has been classified as a Variant of Uncertain Significance. Advanced modeling of protein sequence and biophysical properties (such as structural, functional, and spatial information, amino acid conservation, physicochemical variation, residue mobility, and thermodynamic stability) performed at Invitae indicates that this missense variant is not expected to disrupt AIFM1 protein function. This variant has not been reported in the literature in individuals affected with AIFM1-related conditions. This variant is not present in population databases (gnomAD no frequency). This sequence change replaces aspartic acid, which is acidic and polar, with histidine, which is basic and polar, at codon 65 of the AIFM1 protein (p.Asp65His).

PreventionGenetics, part of Exact Sciences
Classification: Uncertain significance for AIFM1-related condition. Last evaluated: 2022-09-23. Review status: criteria provided, single submitter. Criteria: ACMG Guidelines, 2015. Collection method: clinical testing. Allele origin: germline.
Comment: The AIFM1 c.193G>C variant is predicted to result in the amino acid substitution p.Asp65His. To our knowledge, this variant has not been reported in the literature or in a large population database, indicating this variant is rare. At this time, the clinical significance of this variant is uncertain due to the absence of conclusive functional and genetic evidence.

NM_004208.4(AIFM1):c.193G>C (p.Asp65His)

Genes: AIFM1 (apoptosis inducing factor mitochondria associated 1; minus strand), RAB33A (RAB33A, member RAS oncogene family; plus strand). Cytogenetic location: Xq26.1.
Variant type: single nucleotide variant.
Coding change: c.193G>C on transcript NM_004208.4 (MANE Select); coding-DNA position 193, G replaced by C.
Protein change: p.Asp65His; replaces aspartic acid 65 with histidine.
Molecular consequence: missense variant. On other transcripts: intron variant (1).
Genome position (GRCh38, 1-based): chrX:130,156,517, C>G on the plus strand (G>C on the coding strand, the complement: AIFM1 is on the minus strand). VCF-style: chrX-130156517-C-G. GRCh37 (hg19) VCF-style: chrX-129290491-C-G.
Other names: c.193G>C, p.Asp65His (NM_001130847.4); c.107-1231G>C (NM_145812.3); short protein forms D65H.
Identifiers: ClinVar variation 2628840 (VCV002628840.4), dbSNP rs763317252, ClinGen allele CA414593798.
Genomic context (GRCh38, chrX:130,156,517, plus strand): 5'-TTACATAGGCACCAGCTCCTACTGTTGATAAGCCCACAATAAGGACTAACACAGAATTAT[C>G]GATTTTGCCCCCTGATGCACCAGAGCTAGCCATTTGTCTTGTCATCTGGAGTTCTAGAGG-3'
Protein context (NP_004199.1, residues 55-75): ASSGASGGKI[Asp65His]NSVLVLIVGL